The following is an entry in ClinVar:

ClinVar aggregate classification (germline): Uncertain significance. Review status: criteria provided, multiple submitters, no conflicts (2 of 4 stars). 3 submissions from 3 submitters: Uncertain significance (2). 1 of the submissions does not count toward it. Last evaluated 2026-07-17.

Conditions:
Autosomal recessive nonsyndromic hearing loss 21. Identifiers: Orphanet 90636, MedGen C1863655, MONDO:0011351, OMIM 603629.
Autosomal dominant nonsyndromic hearing loss 12. Also called: DEAFNESS, AUTOSOMAL DOMINANT 8. Identifiers: Orphanet 90635, MedGen C1832187, MONDO:0011102, OMIM 601543.

Submissions (3):

GeneDx
Classification: Uncertain significance. Last evaluated: 2026-07-17. Review status: criteria provided, single submitter. Criteria: GeneDx Variant Classification Process June 2021. Collection method: clinical testing. Allele origin: germline.
Comment: Reported in a patient with hearing loss in published literature (PMID: 29907799); Not observed at significant frequency in large population cohorts (gnomAD); In silico analysis supports that this missense variant has a deleterious effect on protein structure/function; This variant is associated with the following publications: (PMID: 21520338, 31554319, 9590290, 29907799)

Blueprint Genetics
Classification: Uncertain significance. Last evaluated: 2020-12-31. Review status: criteria provided, single submitter. Criteria: ACMG Guidelines, 2015. Collection method: clinical testing. Allele origin: germline.

Division of Human Genetics, Children's Hospital of Philadelphia
Classification: Uncertain significance for Autosomal dominant nonsyndromic hearing loss 12; Autosomal recessive nonsyndromic hearing loss 21. Last evaluated: 2015-11-13. Review status: no assertion criteria provided. Collection method: research. Allele origin: germline. Affected: yes. Study: CSER-PediSeq. Not counted in ClinVar's aggregate classification.

NM_005422.4(TECTA):c.3854G>C (p.Cys1285Ser)

Genes: TBCEL-TECTA (TBCEL-TECTA readthrough; plus strand), TECTA (tectorin alpha; plus strand). Cytogenetic location: 11q23.3.
Variant type: single nucleotide variant.
Coding change: c.3854G>C on transcript NM_005422.4 (MANE Select); coding-DNA position 3854, G replaced by C.
Protein change: p.Cys1285Ser; replaces cysteine 1285 with serine.
Molecular consequence: missense variant.
Genome position (GRCh38, 1-based): chr11:121,145,865, G>C. VCF-style: chr11-121145865-G-C. GRCh37 (hg19) VCF-style: chr11-121016574-G-C.
Other names: c.4811G>C, p.Cys1604Ser (NM_001378761.1); short protein forms C1285S, C1604S.
Identifiers: ClinVar variation 417919 (VCV000417919.4), dbSNP rs1060499597, ClinGen allele CA16616916.